The following is an entry in ClinVar:

ClinVar aggregate classification (germline): Pathogenic/Likely pathogenic. Review status: criteria provided, multiple submitters, no conflicts (2 of 4 stars). 3 submissions from 3 submitters: Pathogenic (2); Likely pathogenic (1). Last evaluated 2025-05-14.

Conditions:
Pyruvate dehydrogenase E3 deficiency (DLDD). Also called: Dihydrolipoamide Dehydrogenase (E3) Deficiency; Dihydrolipoamide Dehydrogenase Deficiency; MAPLE SYRUP URINE DISEASE, TYPE III; Lipoamide dehydrogenase deficiency, lactic acidosis due to; Lipoamide dehydrogenase deficiency; Dihydrolipoamide Dehydrogenase E3 Deficiency. Identifiers: Orphanet 2394, Orphanet 765, MedGen C5574660, MONDO:0009529, OMIM 246900.

Allele frequency attached by ClinVar (database versions not stated): gnomAD exomes 0.00001 and 0.00002; ExAC 0.00003.

Submissions (3):

Natera, Inc.
Classification: Likely pathogenic for Maple syrup urine disease type 3. Last evaluated: 2025-05-14. Review status: criteria provided, single submitter. Criteria: Natera Variant Classification Schema (03/2026). Collection method: clinical testing. Allele origin: germline.
Comment: The c.946C>T variant in DLD is a nonsense variant predicted to introduce a stop codon at amino acid 316. This variant is expected to result in nonsense mediated decay, truncation, or a dysfunctional protein product. This variant is rare in the general population with a frequency below the threshold expected for the associated phenotype(s). Given the available evidence, this variant is classified as Likely Pathogenic.

Labcorp Genetics (formerly Invitae), Labcorp
Classification: Pathogenic for Pyruvate dehydrogenase E3 deficiency. Last evaluated: 2024-01-05. Review status: criteria provided, single submitter. Criteria: Invitae Variant Classification Sherloc (09022015). Collection method: clinical testing. Allele origin: germline.
Comment: This sequence change creates a premature translational stop signal (p.Arg316*) in the DLD gene. It is expected to result in an absent or disrupted protein product. Loss-of-function variants in DLD are known to be pathogenic (PMID: 8968745, 9934985). This variant is present in population databases (rs748682601, gnomAD 0.004%). This premature translational stop signal has been observed in individual(s) with dihydrolipoamide dehydrogenase deficiency (PMID: 31683770). ClinVar contains an entry for this variant (Variation ID: 854640). For these reasons, this variant has been classified as Pathogenic.

Baylor Genetics
Classification: Pathogenic for Pyruvate dehydrogenase E3 deficiency. Last evaluated: 2023-11-25. Review status: criteria provided, single submitter. Criteria: ACMG Guidelines, 2015. Collection method: clinical testing. Allele origin: unknown.

Literature cited by the submitters: PubMed 8968745 (cited by Labcorp Genetics (formerly Invitae), Labcorp); PubMed 9934985 (cited by Labcorp Genetics (formerly Invitae), Labcorp); PubMed 31683770 (cited by Labcorp Genetics (formerly Invitae), Labcorp).

NM_000108.5(DLD):c.946C>T (p.Arg316Ter)

Gene: DLD (dihydrolipoamide dehydrogenase; plus strand). Cytogenetic location: 7q31.1.
Variant type: single nucleotide variant.
Coding change: c.946C>T on transcript NM_000108.5 (MANE Select); coding-DNA position 946, C replaced by T.
Protein change: p.Arg316Ter; replaces arginine 316 with a stop codon.
Molecular consequence: nonsense.
Genome position (GRCh38, 1-based): chr7:107,916,864, C>T. VCF-style: chr7-107916864-C-T. GRCh37 (hg19) VCF-style: chr7-107557309-C-T.
Other names: c.649C>T, p.Arg217Ter (NM_001289750.1); c.877C>T, p.Arg293Ter (NM_001289751.1); c.802C>T, p.Arg268Ter (NM_001289752.1); short protein forms R217*, R293*, R268*, R316*.
Identifiers: ClinVar variation 854640 (VCV000854640.10), dbSNP rs748682601, ClinGen allele CA4434597.